The following is an entry in ClinVar:

NM_030773.4(TUBB1):c.68T>C (p.Met23Thr)

Gene: TUBB1 (tubulin beta 1 class VI; plus strand). Cytogenetic location: 20q13.32.
Variant type: single nucleotide variant.
Coding change: c.68T>C on transcript NM_030773.4 (MANE Select); coding-DNA position 68, T replaced by C.
Protein change: p.Met23Thr; replaces methionine 23 with threonine.
Molecular consequence: missense variant.
Genome position (GRCh38, 1-based): chr20:59,022,855, T>C. VCF-style: chr20-59022855-T-C. GRCh37 (hg19) VCF-style: chr20-57597910-T-C.
Other names: short protein forms M23T.
Identifiers: ClinVar variation 871094 (VCV000871094.46), dbSNP rs374942824, ClinGen allele CA9928356.

ClinVar aggregate classification (germline): Uncertain significance. Review status: criteria provided, multiple submitters, no conflicts (2 of 4 stars). 3 submissions from 3 submitters: Uncertain significance (2). 1 of the submissions does not count toward it. Last evaluated 2025-10-13.

Conditions:
Abnormal bleeding. Also called: Bleeding diathesis. Identifiers: MedGen C1458140, HP:0001892.
Thrombocytopenia. Identifiers: MedGen C0040034, MeSH D013921, MONDO:0002049, HP:0001873.

Allele frequency attached by ClinVar (database versions not stated): TOPMed 0.00004; gnomAD 0.00005; ESP Exome Variant Server 0.00008; gnomAD exomes 0.00008; 1000 Genomes Project 30x 0.00031.
gnomAD v4.1: 128 of 1,614,092 alleles (0.0079%); highest among the groups gnomAD compares: Non-Finnish European, 0.01%; no homozygotes.

Submissions (3):

Labcorp Genetics (formerly Invitae), Labcorp
Classification: Uncertain significance. Last evaluated: 2025-10-13. Review status: criteria provided, single submitter. Criteria: Invitae Variant Classification Sherloc (09022015). Collection method: clinical testing. Allele origin: germline.
Comment: This sequence change replaces methionine, which is neutral and non-polar, with threonine, which is neutral and polar, at codon 23 of the TUBB1 protein (p.Met23Thr). This variant is present in population databases (rs374942824, gnomAD 0.01%). This missense change has been observed in individual(s) with an unspecified bleeding disorder (PMID: 32935436). ClinVar contains an entry for this variant (Variation ID: 871094). Invitae Evidence Modeling of protein sequence and biophysical properties (such as structural, functional, and spatial information, amino acid conservation, physicochemical variation, residue mobility, and thermodynamic stability) indicates that this missense variant is not expected to disrupt TUBB1 protein function with a negative predictive value of 80%. In summary, the available evidence is currently insufficient to determine the role of this variant in disease. Therefore, it has been classified as a Variant of Uncertain Significance.

CeGaT Center for Human Genetics Tuebingen
Classification: Uncertain significance. Last evaluated: 2019-07-01. Review status: criteria provided, single submitter. Criteria: CeGaT Center For Human Genetics Tuebingen Variant Classification Criteria Version 2. Collection method: clinical testing. Allele origin: germline. Affected: yes. Observed: 1 variant allele.

Birmingham Platelet Group; University of Birmingham
Classification: Uncertain significance for Thrombocytopenia; Abnormal bleeding. Last evaluated: 2020-05-01. Review status: no assertion criteria provided. Collection method: research. Allele origin: germline. Affected: yes. Not counted in ClinVar's aggregate classification.

Literature cited by the submitters: PubMed 32935436 (cited by Labcorp Genetics (formerly Invitae), Labcorp).